The following is an entry in ClinVar:

ClinVar aggregate classification (germline): Uncertain significance (1 of 4 stars; one submission).

Allele frequency attached by ClinVar (database versions not stated): gnomAD exomes below 0.00001.
gnomAD v4.1: 2 of 1,614,016 alleles (0.00012%); highest among the groups gnomAD compares: Non-Finnish European, 0.000085%; no homozygotes.

Submission:

Labcorp Genetics (formerly Invitae), Labcorp
Classification: Uncertain significance. Last evaluated: 2022-04-20. Review status: criteria provided, single submitter. Criteria: Invitae Variant Classification Sherloc (09022015). Collection method: clinical testing. Allele origin: germline.
Comment: In summary, the available evidence is currently insufficient to determine the role of this variant in disease. Therefore, it has been classified as a Variant of Uncertain Significance. Algorithms developed to predict the effect of missense changes on protein structure and function are either unavailable or do not agree on the potential impact of this missense change (SIFT: "Not Available"; PolyPhen-2: "Benign"; Align-GVGD: "Not Available"). This variant has not been reported in the literature in individuals affected with LCT-related conditions. This variant is not present in population databases (gnomAD no frequency). This sequence change replaces aspartic acid, which is acidic and polar, with asparagine, which is neutral and polar, at codon 1085 of the LCT protein (p.Asp1085Asn).

NM_002299.4(LCT):c.3253G>A (p.Asp1085Asn)

Gene: LCT (lactase; minus strand). Cytogenetic location: 2q21.3.
Variant type: single nucleotide variant.
Coding change: c.3253G>A on transcript NM_002299.4 (MANE Select); coding-DNA position 3253, G replaced by A.
Protein change: p.Asp1085Asn; replaces aspartic acid 1085 with asparagine.
Molecular consequence: missense variant.
Genome position (GRCh38, 1-based): chr2:135,809,094, C>T on the plus strand (G>A on the coding strand, the complement: LCT is on the minus strand). VCF-style: chr2-135809094-C-T. GRCh37 (hg19) VCF-style: chr2-136566664-C-T.
Other names: short protein forms D1085N.
Identifiers: ClinVar variation 1933374 (VCV001933374.5), dbSNP rs867211650, ClinGen allele CA56613259.